The following is an entry in ClinVar:

ClinVar aggregate classification (germline): Likely pathogenic (1 of 4 stars; one submission).

Conditions:
Leigh syndrome (NULS). Also called: LEIGH SYNDROME, NUCLEAR; Leigh Syndrome (mtDNA deletion); Leigh's necrotizing encephalopathy; Leigh's disease; Leigh's syndrome; Leigh Disease. Identifiers: Orphanet 506, MedGen C2931891, MONDO:0009723, OMIM 256000.

Submission:

Women's Health and Genetics/Laboratory Corporation of America, LabCorp
Classification: Likely pathogenic for Leigh syndrome. Last evaluated: 2023-05-01. Review status: criteria provided, single submitter. Criteria: LabCorp Variant Classification Summary - May 2015. Collection method: clinical testing. Allele origin: germline.
Comment: Variant summary: The variant identified by MLPA or other technology involves the deletion of exons 5-10 in the NDUFV1 gene, which includes the last exon. The exact breakpoint at the 3' end of this variant is unknown, and therefore this deletion might extend downstream of the assayed region of the gene. A presumed nomenclature of c.(510+1_511-1)_(*84_?)del has been designated for the purposes of this classification. Although exact breakpoints of this deletion are not known, it is expected to undergo nonsense mediated decay, a known mechanism of disease. The variant was absent in 21694 control chromosomes (gnomAD, structural variants dataset). To our knowledge, no occurrence of c.(510+1_511-1)_(*84_?)del in individuals affected with Leigh Syndrome and no experimental evidence demonstrating its impact on protein function have been reported. However, missense variants in the deleted region have been classified pathogenic in ClinVar, this suggests a functional importance for the deleted protein region. No clinical diagnostic laboratories have submitted clinical-significance assessments for this variant to ClinVar after 2014. Based on the evidence outlined above, the variant was classified as likely pathogenic.

NC_000011.9:g.(67377107_67377851)_(67380013_?)del

Gene: NDUFV1 (NADH:ubiquinone oxidoreductase core subunit V1; plus strand). Cytogenetic location: 11q13.2.
Variant type: Deletion.
Identifiers: ClinVar variation 2506339 (VCV002506339.1).